The following is an entry in ClinVar:

NM_206933.4(USH2A):c.990dup (p.Arg331Ter)

Gene: USH2A (usherin; minus strand). Cytogenetic location: 1q41.
Variant type: Duplication.
Coding change: c.990dup on transcript NM_206933.4 (MANE Select); coding-DNA position 990, one base duplicated (T; older notation c.990dupT).
Protein change: p.Arg331Ter; replaces arginine 331 with a stop codon.
Molecular consequence: nonsense.
Genome position (GRCh38, 1-based): chr1:216,325,458, A duplicated on the plus strand (T on the coding strand, the reverse complement: USH2A is on the minus strand). VCF-style (leftmost placement, unchanged base first): chr1-216325457-T-TA. GRCh37 (hg19) VCF-style: chr1-216498799-T-TA.
Other names: c.990dup, p.Arg331Ter (NM_007123.6); short protein forms R331*.
Identifiers: ClinVar variation 2023200 (VCV002023200.4), dbSNP rs2527440139, ClinGen allele CA2580062228.

ClinVar aggregate classification (germline): Pathogenic (1 of 4 stars; one submission).

Submission:

Labcorp Genetics (formerly Invitae), Labcorp
Classification: Pathogenic. Last evaluated: 2022-08-09. Review status: criteria provided, single submitter. Criteria: Invitae Variant Classification Sherloc (09022015). Collection method: clinical testing. Allele origin: germline.
Comment: For these reasons, this variant has been classified as Pathogenic. This variant has not been reported in the literature in individuals affected with USH2A-related conditions. This variant is not present in population databases (gnomAD no frequency). This sequence change creates a premature translational stop signal (p.Arg331*) in the USH2A gene. It is expected to result in an absent or disrupted protein product. Loss-of-function variants in USH2A are known to be pathogenic (PMID: 10729113, 10909849, 20507924, 25649381).

Literature cited by the submitters: PubMed 10729113; PubMed 10909849; PubMed 20507924; PubMed 25649381.